The following is an entry in ClinVar:

ClinVar aggregate classification (germline): Uncertain significance (1 of 4 stars; one submission).

Submission:

Mayo Clinic Laboratories, Mayo Clinic
Classification: Uncertain significance. Last evaluated: 2025-06-26. Review status: criteria provided, single submitter. Criteria: ACMG Guidelines, 2015. Collection method: clinical testing. Allele origin: germline. Observed: 1 variant allele.
Comment: PP3, PM2_supporting

NM_024408.4(NOTCH2):c.7328C>G (p.Pro2443Arg)

Gene: NOTCH2 (notch receptor 2; minus strand). Cytogenetic location: 1p12.
Variant type: single nucleotide variant.
Coding change: c.7328C>G on transcript NM_024408.4 (MANE Select); coding-DNA position 7328, C replaced by G.
Protein change: p.Pro2443Arg; replaces proline 2443 with arginine.
Molecular consequence: missense variant.
Genome position (GRCh38, 1-based): chr1:119,915,394, G>C on the plus strand (C>G on the coding strand, the complement: NOTCH2 is on the minus strand). VCF-style: chr1-119915394-G-C. GRCh37 (hg19) VCF-style: chr1-120458017-G-C.
Other names: p.Pro2443Arg; short protein forms P2443R.
Identifiers: ClinVar variation 4541402 (VCV004541402.1).